The following is an entry in ClinVar:

NM_000277.3(PAH):c.509+101A>C

Gene: PAH (phenylalanine hydroxylase; minus strand). Cytogenetic location: 12q23.2.
Variant type: single nucleotide variant.
Coding change: c.509+101A>C on transcript NM_000277.3 (MANE Select); 101 bases into the intron after coding-DNA position 509, A replaced by C.
Molecular consequence: intron variant.
Genome position (GRCh38, 1-based): chr12:102,866,495, T>G on the plus strand (A>C on the coding strand, the complement: PAH is on the minus strand). VCF-style: chr12-102866495-T-G. GRCh37 (hg19) VCF-style: chr12-103260273-T-G.
Other names: c.509+101A>C (NM_001354304.2).
Identifiers: ClinVar variation 987908 (VCV000987908.6), dbSNP rs10860933, ClinGen allele CA13674149.

ClinVar aggregate classification (germline): Benign. Review status: reviewed by expert panel (3 of 4 stars). 4 submissions from 4 submitters: Benign (1). 3 of the submissions do not count toward it. Last evaluated 2020-09-12.

Conditions:
Phenylketonuria (PKU). Also called: OLIGOPHRENIA PHENYLPYRUVICA; Phenylketonuria (PKU); Phenylketonurias; FOLLING DISEASE. Identifiers: Orphanet 716, MedGen C0031485, MONDO:0009861, OMIM 261600. Disease mechanism: loss of function.

Allele frequency attached by ClinVar (database versions not stated): 1000 Genomes Project 0.30272; 1000 Genomes Project 30x 0.28560; gnomAD 0.18689 and 0.19968; TOPMed 0.18964.
gnomAD v4.1: 230,123 of 904,428 alleles (25%); highest among the groups gnomAD compares: East Asian, 76%; 36,534 homozygotes.

Submissions (4):

ClinGen PAH Variant Curation Expert Panel
Classification: Benign for Phenylketonuria. Last evaluated: 2020-09-12. Review status: reviewed by expert panel. Criteria: ClinGen PAH ACMG Specifications v1. Collection method: curation. Allele origin: germline. Inheritance: Autosomal recessive inheritance.
Comment: The c.509+101A>C variant in PAH has a MAF of 0.2325 in the gnomAD European (Non-Finnish) population. This intronic variant does not have a predicted impact on splicing. In summary this variant meets criteria to be classified as benign. PAH-specific ACMG/AMP criteria applied: BA1, BP7

Pars Genome Lab
Classification: Benign for Phenylketonuria. Last evaluated: 2021-07-01. Review status: criteria provided, single submitter. Criteria: ACMG Guidelines, 2015. Collection method: clinical testing. Allele origin: germline. Affected: no. Not counted in ClinVar's aggregate classification.

GeneDx
Classification: Benign. Last evaluated: 2015-03-03. Review status: criteria provided, single submitter. Criteria: GeneDx Variant Classification Process June 2021. Collection method: clinical testing. Allele origin: germline. Affected: yes. Not counted in ClinVar's aggregate classification.

Breakthrough Genomics
Classification: Benign. Review status: criteria provided, single submitter. Criteria: ACMG Guidelines, 2015. Collection method: not provided. Allele origin: germline. Inheritance: Autosomal recessive inheritance. Affected: yes. Not counted in ClinVar's aggregate classification.